The following is an entry in ClinVar:

NM_005912.3(MC4R):c.891C>T (p.Ile297=)

Gene: MC4R (melanocortin 4 receptor; minus strand). Cytogenetic location: 18q21.32.
Variant type: single nucleotide variant.
Coding change: c.891C>T on transcript NM_005912.3 (MANE Select); coding-DNA position 891, C replaced by T.
Protein change: p.Ile297=; no amino-acid change (isoleucine 297 retained).
Molecular consequence: synonymous variant.
Genome position (GRCh38, 1-based): chr18:60,371,459, G>A on the plus strand (C>T on the coding strand, the complement: MC4R is on the minus strand). VCF-style: chr18-60371459-G-A. GRCh37 (hg19) VCF-style: chr18-58038692-G-A.
Identifiers: ClinVar variation 3031270 (VCV003031270.2), dbSNP rs201921200, ClinGen allele CA8980816.

ClinVar aggregate classification (germline): Likely benign (0 of 4 stars; one submission).

Conditions:
MC4R-related disorder. Also called: MC4R-related condition.

Allele frequency attached by ClinVar (database versions not stated): gnomAD 0.00002; gnomAD exomes 0.00002; ExAC 0.00003; TOPMed 0.00003; 1000 Genomes Project 30x 0.00016; 1000 Genomes Project 0.00020.

Submission:

PreventionGenetics, part of Exact Sciences
Classification: Likely benign for MC4R-related condition. Last evaluated: 2021-02-03. Review status: no assertion criteria provided. Collection method: clinical testing. Allele origin: germline.
Comment: This variant is classified as likely benign based on ACMG/AMP sequence variant interpretation guidelines (Richards et al. 2015 PMID: 25741868, with internal and published modifications).